The following is an entry in ClinVar:

NM_002872.5(RAC2):c.361G>A (p.Asp121Asn)

Gene: RAC2 (Rac family small GTPase 2; minus strand). Cytogenetic location: 22q13.1.
Variant type: single nucleotide variant.
Coding change: c.361G>A on transcript NM_002872.5 (MANE Select); coding-DNA position 361, G replaced by A.
Protein change: p.Asp121Asn; replaces aspartic acid 121 with asparagine.
Molecular consequence: missense variant.
Genome position (GRCh38, 1-based): chr22:37,231,318, C>T on the plus strand (G>A on the coding strand, the complement: RAC2 is on the minus strand). VCF-style: chr22-37231318-C-T. GRCh37 (hg19) VCF-style: chr22-37627358-C-T.
Other names: short protein forms D121N.
Identifiers: ClinVar variation 5037224 (VCV005037224.1).
Genomic context (GRCh38, chr22:37,231,318, plus strand): 5'-GCGGGTAGGTGATGGGAGCCAGCTTCTTCTCCTTCAGTTTCTCGATGGTGTCCTTGTCGT[C>T]CCGCAGGTCCAGCTTGGTGCCCACCAGGATGATGGGTGTGCTGGGGCAGTGGTGCCGCAC-3'
Protein context (NP_002863.1, residues 111-131): ILVGTKLDLR[Asp121Asn]DKDTIEKLKE

ClinVar aggregate classification (germline): Uncertain significance (1 of 4 stars; one submission).

Submission:

GeneDx
Classification: Uncertain significance. Last evaluated: 2026-04-23. Review status: criteria provided, single submitter. Criteria: GeneDx Variant Classification Process June 2021. Collection method: clinical testing. Allele origin: germline.
Comment: Not observed at significant frequency in large population cohorts (gnomAD); In silico analysis supports that this missense variant has a deleterious effect on protein structure/function; Has not been previously published as pathogenic or benign to our knowledge